The following is an entry in ClinVar:

NM_033305.3(VPS13A):c.9317C>T (p.Thr3106Met)

Gene: VPS13A (vacuolar protein sorting 13 homolog A; plus strand). Cytogenetic location: 9q21.2.
Variant type: single nucleotide variant.
Coding change: c.9317C>T on transcript NM_033305.3 (MANE Select); coding-DNA position 9317, C replaced by T.
Protein change: p.Thr3106Met; replaces threonine 3106 with methionine.
Molecular consequence: missense variant.
Genome position (GRCh38, 1-based): chr9:77,405,905, C>T. VCF-style: chr9-77405905-C-T. GRCh37 (hg19) VCF-style: chr9-80020821-C-T.
Other names: c.9200C>T, p.Thr3067Met (NM_001018037.2); short protein forms T3067M, T3106M.
Identifiers: ClinVar variation 2037582 (VCV002037582.1), dbSNP rs149799163, ClinGen allele CA5094017.
Genomic context (GRCh38, chr9:77,405,905, plus strand): 5'-TTTGTTTTTCTTTTTGCAGTGGTGTATTGTTTGTAACAAAGGGAACATTTGGACAACTCA[C>T]GTGTGAGTGGCAGTATAGTTTTGATGAATTTACCAAAGAGCCATTCATTGTTCATGGGAG-3'
Protein context (NP_150648.2, residues 3096-3116): FVTKGTFGQL[Thr3106Met]CEWQYSFDEF

ClinVar aggregate classification (germline): Uncertain significance (1 of 4 stars; one submission).

Allele frequency attached by ClinVar (database versions not stated): gnomAD 0.00002; TOPMed 0.00002; ESP Exome Variant Server 0.00008.
gnomAD v4.1: 22 of 1,613,738 alleles (0.0014%); highest among the groups gnomAD compares: African/African-American, 0.004%; no homozygotes.

Submission:

Labcorp Genetics (formerly Invitae), Labcorp
Classification: Uncertain significance. Last evaluated: 2022-08-16. Review status: criteria provided, single submitter. Criteria: Invitae Variant Classification Sherloc (09022015). Collection method: clinical testing. Allele origin: germline.
Comment: This sequence change replaces threonine, which is neutral and polar, with methionine, which is neutral and non-polar, at codon 3106 of the VPS13A protein (p.Thr3106Met). This variant is present in population databases (rs149799163, gnomAD 0.01%). This variant has not been reported in the literature in individuals affected with VPS13A-related conditions. Algorithms developed to predict the effect of missense changes on protein structure and function are either unavailable or do not agree on the potential impact of this missense change (SIFT: "Deleterious"; PolyPhen-2: "Probably Damaging"; Align-GVGD: "Class C0"). In summary, the available evidence is currently insufficient to determine the role of this variant in disease. Therefore, it has been classified as a Variant of Uncertain Significance.